The following is an entry in ClinVar:

ClinVar aggregate classification (germline): Uncertain significance (1 of 4 stars; one submission).

Allele frequency attached by ClinVar (database versions not stated): gnomAD exomes below 0.00001; gnomAD 0.00001; TOPMed 0.00001.
gnomAD v4.1: 3 of 1,614,104 alleles (0.00019%); highest among the groups gnomAD compares: African/African-American, 0.004%; no homozygotes.

Submission:

Labcorp Genetics (formerly Invitae), Labcorp
Classification: Uncertain significance. Last evaluated: 2022-04-29. Review status: criteria provided, single submitter. Criteria: Invitae Variant Classification Sherloc (09022015). Collection method: clinical testing. Allele origin: germline.
Comment: This variant has not been reported in the literature in individuals affected with TRPM1-related conditions. In summary, the available evidence is currently insufficient to determine the role of this variant in disease. Therefore, it has been classified as a Variant of Uncertain Significance. Algorithms developed to predict the effect of missense changes on protein structure and function (SIFT, PolyPhen-2, Align-GVGD) all suggest that this variant is likely to be disruptive. This variant is not present in population databases (gnomAD no frequency). This sequence change replaces leucine, which is neutral and non-polar, with proline, which is neutral and non-polar, at codon 491 of the TRPM1 protein (p.Leu491Pro).

NM_001252024.2(TRPM1):c.1538T>C (p.Leu513Pro)

Gene: TRPM1 (transient receptor potential cation channel subfamily M member 1; minus strand). Cytogenetic location: 15q13.3.
Variant type: single nucleotide variant.
Coding change: c.1538T>C on transcript NM_001252024.2 (MANE Select); coding-DNA position 1538, T replaced by C.
Protein change: p.Leu513Pro; replaces leucine 513 with proline.
Molecular consequence: missense variant.
Genome position (GRCh38, 1-based): chr15:31,049,409, A>G on the plus strand (T>C on the coding strand, the complement: TRPM1 is on the minus strand). VCF-style: chr15-31049409-A-G. GRCh37 (hg19) VCF-style: chr15-31341612-A-G.
Other names: c.1589T>C, p.Leu530Pro (NM_001252020.2); c.1472T>C, p.Leu491Pro (NM_002420.6); short protein forms L491P, L513P, L530P.
Identifiers: ClinVar variation 2116181 (VCV002116181.3), dbSNP rs1269575643, ClinGen allele CA391516860.